The following is an entry in ClinVar:

NM_053054.4(CATSPER1):c.1222C>A (p.Arg408=)

Gene: CATSPER1 (cation channel sperm associated 1; minus strand). Cytogenetic location: 11q13.1.
Variant type: single nucleotide variant.
Coding change: c.1222C>A on transcript NM_053054.4 (MANE Select); coding-DNA position 1222, C replaced by A.
Protein change: p.Arg408=; no amino-acid change (arginine 408 retained).
Molecular consequence: synonymous variant.
Genome position (GRCh38, 1-based): chr11:66,023,056, G>T on the plus strand (C>A on the coding strand, the complement: CATSPER1 is on the minus strand). VCF-style: chr11-66023056-G-T. GRCh37 (hg19) VCF-style: chr11-65790527-G-T.
Identifiers: ClinVar variation 305433 (VCV000305433.12), dbSNP rs2845570, ClinGen allele CA6114748.

ClinVar aggregate classification (germline): Benign. Review status: criteria provided, multiple submitters, no conflicts (2 of 4 stars). 5 submissions from 5 submitters: Benign (5). Last evaluated 2024-11-27.

Conditions:
Spermatogenic failure 7. Also called: MALE INFERTILITY, NONSYNDROMIC, AUTOSOMAL RECESSIVE. Identifiers: Orphanet 276234, MedGen C2751811, MONDO:0013070, OMIM 612997.

Allele frequency attached by ClinVar (database versions not stated): TOPMed 0.42832; 1000 Genomes Project 30x 0.43098; 1000 Genomes Project 0.43191; gnomAD 0.44072 and 0.44922; ESP Exome Variant Server 0.45452; gnomAD exomes 0.51328 and 0.54989; ExAC 0.51855.
gnomAD v4.1: 870,604 of 1,612,570 alleles (54%); highest among the groups gnomAD compares: South Asian, 70%; 242,489 homozygotes.

Submissions (5):

Blueprint Genetics
Classification: Benign. Last evaluated: 2024-11-27. Review status: criteria provided, single submitter. Criteria: ACMG Guidelines, 2015. Collection method: clinical testing. Allele origin: germline.

Genome-Nilou Lab
Classification: Benign for Spermatogenic failure 7. Last evaluated: 2021-07-14. Review status: criteria provided, single submitter. Criteria: ACMG Guidelines, 2015. Collection method: clinical testing. Allele origin: germline. Affected: no.

GeneDx
Classification: Benign. Last evaluated: 2018-11-10. Review status: criteria provided, single submitter. Criteria: GeneDx Variant Classification Process June 2021. Collection method: clinical testing. Allele origin: germline. Affected: yes.

Illumina Laboratory Services, Illumina
Classification: Benign for Spermatogenic failure 7. Last evaluated: 2018-01-12. Review status: criteria provided, single submitter. Criteria: ICSL Variant Classification Criteria 13 December 2019. Collection method: clinical testing. Allele origin: germline.
Comment: This variant was observed in the ICSL laboratory as part of a predisposition screen in an ostensibly healthy population. It had not been previously curated by ICSL or reported in the Human Gene Mutation Database (HGMD: prior to June 1st, 2018), and was therefore a candidate for classification through an automated scoring system. Utilizing variant allele frequency, disease prevalence and penetrance estimates, and inheritance mode, an automated score was calculated to assess if this variant is too frequent to cause the disease. Based on the score and internal cut-off values, a variant classified as benign is not then subjected to further curation. The score for this variant resulted in a classification of benign for this disease.

Breakthrough Genomics
Classification: Benign. Review status: criteria provided, single submitter. Criteria: ACMG Guidelines, 2015. Collection method: not provided. Allele origin: germline. Inheritance: Autosomal recessive inheritance. Affected: yes.